The following is an entry in ClinVar:

NM_001110556.2(FLNA):c.5217+5G>A

Gene: FLNA (filamin A; minus strand). Cytogenetic location: Xq28.
Variant type: single nucleotide variant.
Coding change: c.5217+5G>A on transcript NM_001110556.2 (MANE Select); 5 bases into the intron after coding-DNA position 5217, G replaced by A.
Molecular consequence: intron variant.
Genome position (GRCh38, 1-based): chrX:154,354,820, C>T on the plus strand (G>A on the coding strand, the complement: FLNA is on the minus strand). VCF-style: chrX-154354820-C-T. GRCh37 (hg19) VCF-style: chrX-153583188-C-T.
Other names: c.5193+5G>A (NM_001456.4).
Identifiers: ClinVar variation 3346461 (VCV003346461.1).

ClinVar aggregate classification (germline): Likely pathogenic (0 of 4 stars; one submission).

Conditions:
FLNA-related disorder.

Submission:

PreventionGenetics, part of Exact Sciences
Classification: Likely pathogenic for FLNA-related condition. Last evaluated: 2024-07-23. Review status: no assertion criteria provided. Collection method: clinical testing. Allele origin: germline.
Comment: The FLNA c.5217+5G>A variant is predicted to interfere with splicing. To our knowledge, this variant has not been reported in the literature or in a large population database, indicating this variant is rare. However, a different nucleotide change at this same position (c.5217+5G>C) has been reported in the heterozygous state in a mother and daughter with skeletal anomalies and skewed X-inactivation (Rumping et al 2021. PubMed ID: 34254723). RT-PCR on heart tissue from one of these patients determined this variant results in aberrant splicing and the deletion of 16 amino acids (p.Val1724_Thr1739del) (Rumping et al 2021. PubMed ID: 34254723). This variant is interpreted as likely pathogenic.